The following is an entry in ClinVar:

ClinVar aggregate classification (germline): Uncertain significance (1 of 4 stars; one submission).

Conditions:
Glycogen storage disease XV (GSD15). Also called: GLYCOGENIN DEFICIENCY; GSD XV. Identifiers: Orphanet 263297, MedGen C3150754, MONDO:0013291, OMIM 613507.
Polyglucosan body myopathy type 2. Identifiers: Orphanet 456369, MedGen C4015452, MONDO:0014526, OMIM 616199.

Allele frequency attached by ClinVar (database versions not stated): gnomAD exomes 0.00001.
gnomAD v4.1: 21 of 1,613,836 alleles (0.0013%); highest among the groups gnomAD compares: Non-Finnish European, 0.0018%; no homozygotes.

Submission:

Labcorp Genetics (formerly Invitae), Labcorp
Classification: Uncertain significance for Polyglucosan body myopathy type 2; Glycogen storage disease XV. Last evaluated: 2022-10-17. Review status: criteria provided, single submitter. Criteria: Invitae Variant Classification Sherloc (09022015). Collection method: clinical testing. Allele origin: germline.
Comment: In summary, the available evidence is currently insufficient to determine the role of this variant in disease. Therefore, it has been classified as a Variant of Uncertain Significance. Algorithms developed to predict the effect of missense changes on protein structure and function are either unavailable or do not agree on the potential impact of this missense change (SIFT: "Tolerated"; PolyPhen-2: "Probably Damaging"; Align-GVGD: "Class C0"). ClinVar contains an entry for this variant (Variation ID: 1445115). This variant has not been reported in the literature in individuals affected with GYG1-related conditions. This variant is present in population databases (rs566702762, gnomAD 0.004%). This sequence change replaces arginine, which is basic and polar, with glutamine, which is neutral and polar, at codon 321 of the GYG1 protein (p.Arg321Gln).

NM_004130.4(GYG1):c.962G>A (p.Arg321Gln)

Gene: GYG1 (glycogenin 1; plus strand). Cytogenetic location: 3q24.
Variant type: single nucleotide variant.
Coding change: c.962G>A on transcript NM_004130.4 (MANE Select); coding-DNA position 962, G replaced by A.
Protein change: p.Arg321Gln; replaces arginine 321 with glutamine.
Molecular consequence: missense variant.
Genome position (GRCh38, 1-based): chr3:149,026,842, G>A. VCF-style: chr3-149026842-G-A. GRCh37 (hg19) VCF-style: chr3-148744629-G-A.
Other names: c.911G>A, p.Arg304Gln (NM_001184720.2); c.691G>A, p.Gly231Arg (NM_001184721.2); short protein forms R321Q, G231R, R304Q.
Identifiers: ClinVar variation 1445115 (VCV001445115.4), dbSNP rs566702762, ClinGen allele CA2658726.